The following is an entry in ClinVar:

NM_000032.5(ALAS2):c.1503del (p.Gln502fs)

Gene: ALAS2 (5'-aminolevulinate synthase 2; minus strand). Cytogenetic location: Xp11.21.
Variant type: Deletion.
Coding change: c.1503del on transcript NM_000032.5 (MANE Select); coding-DNA position 1503, one base deleted (G; older notation c.1503delG).
Protein change: p.Gln502fs; shifts the reading frame from glutamine 502.
Molecular consequence: frameshift variant.
Genome position (GRCh38, 1-based): chrX:55,013,583, C deleted on the plus strand (G on the coding strand, the reverse complement: ALAS2 is on the minus strand). VCF-style (leftmost placement, unchanged base first): chrX-55013582-GC-G. GRCh37 (hg19) VCF-style: chrX-55040015-GC-G.
Other names: c.1392del, p.Gln465fs (NM_001037967.4); c.1464del, p.Gln489fs (NM_001037968.4); short protein forms Q502fs, Q465fs, Q489fs.
Identifiers: ClinVar variation 4723867 (VCV004723867.1).

ClinVar aggregate classification (germline): Uncertain significance (1 of 4 stars; one submission).

Submission:

Labcorp Genetics (formerly Invitae), Labcorp
Classification: Uncertain significance. Last evaluated: 2025-07-29. Review status: criteria provided, single submitter. Criteria: Invitae Variant Classification Sherloc (09022015). Collection method: clinical testing. Allele origin: germline.
Comment: This sequence change creates a premature translational stop signal (p.Gln502Argfs*27) in the ALAS2 gene. While this is not anticipated to result in nonsense mediated decay, it is expected to disrupt the last 86 amino acid(s) of the ALAS2 protein. This variant is not present in population databases (gnomAD no frequency). This variant has not been reported in the literature in individuals affected with ALAS2-related conditions. Experimental studies and prediction algorithms are not available or were not evaluated, and the functional significance of this variant is currently unknown. In summary, the available evidence is currently insufficient to determine the role of this variant in disease. Therefore, it has been classified as a Variant of Uncertain Significance.